The following is an entry in ClinVar:

ClinVar aggregate classification (germline): Uncertain significance (1 of 4 stars; one submission).

Submission:

Labcorp Genetics (formerly Invitae), Labcorp
Classification: Uncertain significance. Last evaluated: 2023-11-10. Review status: criteria provided, single submitter. Criteria: Invitae Variant Classification Sherloc (09022015). Collection method: clinical testing. Allele origin: germline.
Comment: This sequence change replaces glycine, which is neutral and non-polar, with alanine, which is neutral and non-polar, at codon 932 of the DHX37 protein (p.Gly932Ala). This variant is not present in population databases (gnomAD no frequency). This variant has not been reported in the literature in individuals affected with DHX37-related conditions. Advanced modeling of protein sequence and biophysical properties (such as structural, functional, and spatial information, amino acid conservation, physicochemical variation, residue mobility, and thermodynamic stability) performed at Invitae indicates that this missense variant is not expected to disrupt DHX37 protein function with a negative predictive value of 80%. In summary, the available evidence is currently insufficient to determine the role of this variant in disease. Therefore, it has been classified as a Variant of Uncertain Significance.

NM_032656.4(DHX37):c.2795G>C (p.Gly932Ala)

Gene: DHX37 (DEAH-box helicase 37; minus strand). Cytogenetic location: 12q24.31.
Variant type: single nucleotide variant.
Coding change: c.2795G>C on transcript NM_032656.4 (MANE Select); coding-DNA position 2795, G replaced by C.
Protein change: p.Gly932Ala; replaces glycine 932 with alanine.
Molecular consequence: missense variant.
Genome position (GRCh38, 1-based): chr12:124,952,471, C>G on the plus strand (G>C on the coding strand, the complement: DHX37 is on the minus strand). VCF-style: chr12-124952471-C-G. GRCh37 (hg19) VCF-style: chr12-125437017-C-G.
Other names: short protein forms G932A.
Identifiers: ClinVar variation 2901694 (VCV002901694.3), dbSNP rs2547108645, ClinGen allele CA387220484.